The following is an entry in ClinVar:

ClinVar aggregate classification (germline): Conflicting classifications of pathogenicity. Review status: criteria provided, conflicting classifications (1 of 4 stars). 8 submissions from 7 submitters: Uncertain significance (7); Benign (1). Last evaluated 2026-08-01.

Conditions:
Aortic valve disease 1 (AOVD1). Identifiers: MedGen C3887892, MONDO:0024523, OMIM 109730.
Adams-Oliver syndrome 5 (AOS5). Identifiers: Orphanet 974, MedGen C4014970, MONDO:0014459, OMIM 616028.
Familial thoracic aortic aneurysm and aortic dissection (TAAD). Also called: Thoracic aortic aneurysms and dissections. Identifiers: Orphanet 91387, MedGen C4707243, MONDO:0019625.

Allele frequency attached by ClinVar (database versions not stated): ExAC 0.00003; gnomAD exomes 0.00006; gnomAD 0.00007 and 0.00008; ESP Exome Variant Server 0.00008; TOPMed 0.00008.
gnomAD v4.1: 38 of 1,612,288 alleles (0.0024%); highest among the groups gnomAD compares: Admixed American, 0.023%; no homozygotes.

Submissions (8):

CeGaT Center for Human Genetics Tuebingen
Classification: Uncertain significance. Last evaluated: 2026-08-01. Review status: criteria provided, single submitter. Criteria: CeGaT Center For Human Genetics Tuebingen Variant Classification Criteria Version 2. Collection method: clinical testing. Allele origin: germline. Affected: yes. Observed: 1 variant allele.

Labcorp Genetics (formerly Invitae), Labcorp
Classification: Benign for Adams-Oliver syndrome 5. Last evaluated: 2025-11-25. Review status: criteria provided, single submitter. Criteria: Invitae Variant Classification Sherloc (09022015). Collection method: clinical testing. Allele origin: germline.

Ambry Genetics
Classification: Uncertain significance for Familial thoracic aortic aneurysm and aortic dissection. Last evaluated: 2025-05-18. Review status: criteria provided, single submitter. Criteria: Ambry Variant Classification Scheme 2023. Collection method: clinical testing. Allele origin: germline.
Comment: The p.A1458V variant (also known as c.4373C>T), located in coding exon 25 of the NOTCH1 gene, results from a C to T substitution at nucleotide position 4373. The alanine at codon 1458 is replaced by valine, an amino acid with similar properties. This amino acid position is not well conserved in available vertebrate species. In addition, this alteration is predicted to be tolerated by in silico analysis. Since supporting evidence is limited at this time, the clinical significance of this alteration remains unclear.

GeneDx
Classification: Uncertain significance. Last evaluated: 2024-01-25. Review status: criteria provided, single submitter. Criteria: GeneDx Variant Classification Process June 2021. Collection method: clinical testing. Allele origin: germline. Affected: yes.
Comment: In silico analysis supports that this missense variant has a deleterious effect on protein structure/function; Has not been previously published as pathogenic or benign to our knowledge

Genome-Nilou Lab
Classification: Uncertain significance for Adams-Oliver syndrome 5. Last evaluated: 2022-03-15. Review status: criteria provided, single submitter. Criteria: ACMG Guidelines, 2015. Collection method: clinical testing. Allele origin: germline. Affected: no.

Genome-Nilou Lab
Classification: Uncertain significance for Aortic valve disease 1. Last evaluated: 2022-03-15. Review status: criteria provided, single submitter. Criteria: ACMG Guidelines, 2015. Collection method: clinical testing. Allele origin: germline. Affected: no.

Fulgent Genetics
Classification: Uncertain significance for Aortic valve disease 1; Adams-Oliver syndrome 5. Last evaluated: 2021-10-29. Review status: criteria provided, single submitter. Criteria: ACMG Guidelines, 2015. Collection method: clinical testing. Allele origin: unknown.

Revvity Omics, Revvity
Classification: Uncertain significance. Last evaluated: 2019-07-10. Review status: criteria provided, single submitter. Criteria: ACMG Guidelines, 2015. Collection method: clinical testing. Allele origin: germline.

NM_017617.5(NOTCH1):c.4373C>T (p.Ala1458Val)

Gene: NOTCH1 (notch receptor 1; minus strand). Cytogenetic location: 9q34.3.
Variant type: single nucleotide variant.
Coding change: c.4373C>T on transcript NM_017617.5 (MANE Select); coding-DNA position 4373, C replaced by T.
Protein change: p.Ala1458Val; replaces alanine 1458 with valine.
Molecular consequence: missense variant.
Genome position (GRCh38, 1-based): chr9:136,505,523, G>A on the plus strand (C>T on the coding strand, the complement: NOTCH1 is on the minus strand). VCF-style: chr9-136505523-G-A. GRCh37 (hg19) VCF-style: chr9-139399975-G-A.
Other names: short protein forms A1458V.
Identifiers: ClinVar variation 1059669 (VCV001059669.19), dbSNP rs374352922, ClinGen allele CA5340628.